The following is an entry in ClinVar:

NC_000017.10:g.(?_17136102)_(17140502_?)dup

Gene: FLCN (folliculin; minus strand). Cytogenetic location: 17p11.2.
Variant type: Duplication.
Identifiers: ClinVar variation 3242950 (VCV003242950.1).

ClinVar aggregate classification (germline): Uncertain significance (1 of 4 stars; one submission).

Conditions:
Birt-Hogg-Dube syndrome. Also called: Birt Hogg Dubé syndrome. Identifiers: Orphanet 122, MedGen C0346010, MONDO:0800444.

Submission:

Labcorp Genetics (formerly Invitae), Labcorp
Classification: Uncertain significance for Birt-Hogg-Dube syndrome. Last evaluated: 2023-08-11. Review status: criteria provided, single submitter. Criteria: Invitae Variant Classification Sherloc (09022015). Collection method: clinical testing. Allele origin: unknown.
Comment: In summary, the available evidence is currently insufficient to determine the role of this variant in disease. Therefore, it has been classified as a Variant of Uncertain Significance. Experimental studies and prediction algorithms are not available or were not evaluated, and the functional significance of this variant is currently unknown. This variant is a copy number gain that occurs in a non-coding region of the FLCN gene. It does not change the encoded amino acid sequence of the FLCN protein. This variant has not been reported in the literature in individuals affected with FLCN-related conditions.